The following is an entry in ClinVar:

ClinVar aggregate classification (germline): Uncertain significance (1 of 4 stars; one submission).

gnomAD v4.1: 5 of 1,614,130 alleles (0.00031%); highest among the groups gnomAD compares: African/African-American, 0.0067%; no homozygotes.

Submission:

Labcorp Genetics (formerly Invitae), Labcorp
Classification: Uncertain significance. Last evaluated: 2025-07-16. Review status: criteria provided, single submitter. Criteria: Invitae Variant Classification Sherloc (09022015). Collection method: clinical testing. Allele origin: germline.
Comment: This sequence change replaces phenylalanine, which is neutral and non-polar, with isoleucine, which is neutral and non-polar, at codon 393 of the TRIP13 protein (p.Phe393Ile). This variant is present in population databases (rs552489321, gnomAD 0.01%). This variant has not been reported in the literature in individuals affected with TRIP13-related conditions. An algorithm developed to predict the effect of missense changes on protein structure and function (PolyPhen-2) suggests that this variant is likely to be disruptive. In summary, the available evidence is currently insufficient to determine the role of this variant in disease. Therefore, it has been classified as a Variant of Uncertain Significance.

NM_004237.4(TRIP13):c.1177T>A (p.Phe393Ile)

Gene: TRIP13 (thyroid hormone receptor interactor 13; plus strand). Cytogenetic location: 5p15.33.
Variant type: single nucleotide variant.
Coding change: c.1177T>A on transcript NM_004237.4 (MANE Select); coding-DNA position 1177, T replaced by A.
Protein change: p.Phe393Ile; replaces phenylalanine 393 with isoleucine.
Molecular consequence: missense variant.
Genome position (GRCh38, 1-based): chr5:915,947, T>A. VCF-style: chr5-915947-T-A. GRCh37 (hg19) VCF-style: chr5-916062-T-A.
Other names: short protein forms F393I.
Identifiers: ClinVar variation 4798909 (VCV004798909.1).